The following is an entry in ClinVar:

NM_001378452.1(ITPR1):c.6918G>C (p.Lys2306Asn)

Gene: ITPR1 (inositol 1,4,5-trisphosphate receptor type 1; plus strand). Cytogenetic location: 3p26.1.
Variant type: single nucleotide variant.
Coding change: c.6918G>C on transcript NM_001378452.1 (MANE Select); coding-DNA position 6918, G replaced by C.
Protein change: p.Lys2306Asn; replaces lysine 2306 with asparagine.
Molecular consequence: missense variant.
Genome position (GRCh38, 1-based): chr3:4,795,174, G>C. VCF-style: chr3-4795174-G-C. GRCh37 (hg19) VCF-style: chr3-4836858-G-C.
Other names: c.6774G>C, p.Lys2258Asn (NM_001099952.4); c.6873G>C, p.Lys2291Asn (NM_001168272.2); c.6729G>C, p.Lys2243Asn (NM_002222.7); short protein forms K2243N, K2258N, K2306N, K2291N.
Identifiers: ClinVar variation 1950817 (VCV001950817.5), dbSNP rs2047818390, ClinGen allele CA351642796.
Genomic context (GRCh38, chr3:4,795,174, plus strand): 5'-CATTTCGTTTAACCTGGCCGTCCTGATGAACCTGCTGGTGGCGTTTTTCTACCCGTTTAA[G>C]GGAGTCCGAGGAGGTACCCATATCTTTAACTTCAAAAATCCTATTAGAAGCAGCAGGAAG-3'
Protein context (NP_001365381.1, residues 2296-2316): NLLVAFFYPF[Lys2306Asn]GVRGGTLEPH

ClinVar aggregate classification (germline): Uncertain significance (1 of 4 stars; one submission).

Allele frequency attached by ClinVar (database versions not stated): TOPMed below 0.00001.

Submission:

Labcorp Genetics (formerly Invitae), Labcorp
Classification: Uncertain significance. Last evaluated: 2024-08-06. Review status: criteria provided, single submitter. Criteria: Invitae Variant Classification Sherloc (09022015). Collection method: clinical testing. Allele origin: germline.
Comment: This sequence change replaces lysine, which is basic and polar, with asparagine, which is neutral and polar, at codon 2243 of the ITPR1 protein (p.Lys2243Asn). This variant is not present in population databases (gnomAD no frequency). This variant has not been reported in the literature in individuals affected with ITPR1-related conditions. ClinVar contains an entry for this variant (Variation ID: 1950817). Advanced modeling of protein sequence and biophysical properties (such as structural, functional, and spatial information, amino acid conservation, physicochemical variation, residue mobility, and thermodynamic stability) performed at Invitae indicates that this missense variant is not expected to disrupt ITPR1 protein function with a negative predictive value of 95%. In summary, the available evidence is currently insufficient to determine the role of this variant in disease. Therefore, it has been classified as a Variant of Uncertain Significance.